The following is an entry in ClinVar:

ClinVar aggregate classification (germline): Conflicting classifications of pathogenicity. Review status: criteria provided, conflicting classifications (1 of 4 stars). 3 submissions from 3 submitters: Uncertain significance (2); Likely benign (1). Last evaluated 2023-03-23.

Conditions:
Hereditary breast ovarian cancer syndrome. Also called: Hereditary breast and ovarian cancer; BRCA1- and BRCA2-Associated Hereditary Breast and Ovarian Cancer; Hereditary breast and ovarian cancer syndrome; Hereditary breast and ovarian cancer syndrome (HBOC); Breast and ovarian cancer; Hereditary breast and/or ovarian cancer syndrome. Identifiers: Orphanet 145, MedGen C0677776, MeSH D061325, MONDO:0003582. Disease mechanism: loss of function.
Hereditary cancer-predisposing syndrome. Also called: Tumor predisposition; Hereditary neoplastic syndrome; Neoplastic Syndromes, Hereditary; Hereditary Cancer Syndrome. Identifiers: Orphanet 140162, MedGen C0027672, MeSH D009386, MONDO:0015356.

Allele frequency attached by ClinVar (database versions not stated): gnomAD exomes below 0.00001.
gnomAD v4.1: 1 of 1,613,820 alleles (0.000062%); highest among the groups gnomAD compares: South Asian, 0.0011%; no homozygotes.

Submissions (3):

University of Washington Department of Laboratory Medicine, University of Washington
Classification: Likely benign for Hereditary cancer-predisposing syndrome. Last evaluated: 2023-03-23. Review status: criteria provided, single submitter. Criteria: Dines et al. (Genet Med. 2020). Collection method: curation. Allele origin: germline.
Comment: Missense variant in a coldspot region where missense variants are very unlikely to be pathogenic (PMID:31911673).

BRCA1 coldspot (exon 11 using historical exon numbering). Reclassification based on statistical prior probability

Labcorp Genetics (formerly Invitae), Labcorp
Classification: Uncertain significance for Hereditary breast ovarian cancer syndrome. Last evaluated: 2021-09-22. Review status: criteria provided, single submitter. Criteria: Invitae Variant Classification Sherloc (09022015). Collection method: clinical testing. Allele origin: germline.
Comment: This variant is not present in population databases (ExAC no frequency). In summary, the available evidence is currently insufficient to determine the role of this variant in disease. Therefore, it has been classified as a Variant of Uncertain Significance. Advanced modeling of protein sequence and biophysical properties (such as structural, functional, and spatial information, amino acid conservation, physicochemical variation, residue mobility, and thermodynamic stability) performed at Invitae indicates that this missense variant is not expected to disrupt BRCA1 protein function. This variant has not been reported in the literature in individuals affected with BRCA1-related conditions. This sequence change replaces arginine with lysine at codon 823 of the BRCA1 protein (p.Arg823Lys). The arginine residue is moderately conserved and there is a small physicochemical difference between arginine and lysine.

Blueprint Genetics
Classification: Uncertain significance. Last evaluated: 2019-08-21. Review status: criteria provided, single submitter. Criteria: ACMG Guidelines, 2015. Collection method: clinical testing. Allele origin: germline.

NM_007294.4(BRCA1):c.2468G>A (p.Arg823Lys)

Gene: BRCA1 (BRCA1 DNA repair associated; minus strand). Cytogenetic location: 17q21.31.
Variant type: single nucleotide variant.
Coding change: c.2468G>A on transcript NM_007294.4 (MANE Select); coding-DNA position 2468, G replaced by A.
Protein change: p.Arg823Lys; replaces arginine 823 with lysine.
Molecular consequence: missense variant. On other transcripts: intron variant (137).
Genome position (GRCh38, 1-based): chr17:43,093,063, C>T on the plus strand (G>A on the coding strand, the complement: BRCA1 is on the minus strand). VCF-style: chr17-43093063-C-T. GRCh37 (hg19) VCF-style: chr17-41245080-C-T.
Other names: c.784+1681G>A (NM_001408392.1, NM_001407986.1, NM_001407972.1 and 13 more transcripts); c.787+1681G>A (NM_001407979.1, NM_001407977.1, NM_001407982.1 and 17 more transcripts); c.646+1681G>A (NM_001408410.1, NM_001408458.1, NM_001408469.1 and 11 more transcripts); c.709+1681G>A (NM_001408415.1, NM_001408412.1, NM_001408409.1 and 2 more transcripts); c.577+1681G>A (NM_001408483.1, NM_001408481.1, NM_001408480.1 and 9 more transcripts); c.664+1681G>A (NM_001408441.1, NM_001408437.1, NM_001408429.1 and 12 more transcripts); c.2255G>A, p.Arg752Lys (NM_001407571.1, NM_001407853.1, NM_001407894.1 and 9 more transcripts); c.2468G>A, p.Arg823Lys (NM_001407581.1, NM_001407582.1, NM_001407583.1 and 30 more transcripts); and 41 more; short protein forms R823K, R776K, R655K, R775K, R781K, R782K, R796K, R696K.
Identifiers: ClinVar variation 1446321 (VCV001446321.10), dbSNP rs876659731, ClinGen allele CA10597069.